The following is an entry in ClinVar:

ClinVar aggregate classification (germline): Pathogenic (1 of 4 stars; one submission).

Conditions:
Familial cancer of breast. Also called: BREAST CANCER, FAMILIAL; Hereditary breast cancer; hereditary breast carcinoma. Identifiers: Orphanet 227535, MedGen C0346153, MONDO:0016419, OMIM 114480. Disease mechanism: loss of function.

Submission:

Myriad Genetics, Inc.
Classification: Pathogenic for Familial cancer of breast. Last evaluated: 2024-01-25. Review status: criteria provided, single submitter. Criteria: Myriad Autosomal Dominant, Autosomal Recessive and X-Linked Classification Criteria (2023). Collection method: clinical testing. Allele origin: unknown.
Comment: This variant is considered pathogenic. This variant creates a frameshift predicted to result in premature protein truncation.

NM_000051.4(ATM):c.5272_5273del (p.Asp1758fs)

Gene: ATM (ATM serine/threonine kinase; plus strand). Cytogenetic location: 11q22.3.
Variant type: Deletion.
Coding change: c.5272_5273del on transcript NM_000051.4 (MANE Select); coding-DNA positions 5272 to 5273, 2 bases deleted (GA; older notation c.5272_5273delGA).
Protein change: p.Asp1758fs; shifts the reading frame from aspartic acid 1758.
Molecular consequence: frameshift variant.
Genome position (GRCh38, 1-based): chr11:108,301,742-108,301,743, GA deleted; deleting any 2 consecutive bases within chr11:108,301,741-108,301,743 gives the same sequence; the c. name uses the placement nearest the transcript's 3' end. VCF-style (leftmost placement, unchanged base first): chr11-108301740-CAG-C. GRCh37 (hg19) VCF-style: chr11-108172467-CAG-C.
Other names: c.5272_5273del, p.Asp1758fs (NM_001351834.2); short protein forms D1758fs.
Identifiers: ClinVar variation 3148508 (VCV003148508.1), dbSNP rs2546973745, ClinGen allele CA2825001927.